The following is an entry in ClinVar:

NM_001875.5(CPS1):c.2549G>A (p.Arg850His)

Gene: CPS1 (carbamoyl-phosphate synthase 1; plus strand). Cytogenetic location: 2q34.
Variant type: single nucleotide variant.
Coding change: c.2549G>A on transcript NM_001875.5 (MANE Select); coding-DNA position 2549, G replaced by A.
Protein change: p.Arg850His; replaces arginine 850 with histidine.
Molecular consequence: missense variant. On other transcripts: non-coding transcript variant (2).
Genome position (GRCh38, 1-based): chr2:210,612,274, G>A. VCF-style: chr2-210612274-G-A. GRCh37 (hg19) VCF-style: chr2-211476998-G-A.
Other names: c.2549G>A (LRG_336t1); c.2549G>A, p.Arg850His (NM_001122633.3, NM_001369257.1); c.2582G>A, p.Arg861His (NM_001369256.1); short protein forms R850H, R861H.
Identifiers: ClinVar variation 659565 (VCV000659565.11), dbSNP rs767694281, ClinGen allele CA2086666.

ClinVar aggregate classification (germline): Pathogenic. Review status: criteria provided, multiple submitters, no conflicts (2 of 4 stars). 3 submissions from 3 submitters: Pathogenic (3). Last evaluated 2026-03-28.

Conditions:
Pulmonary hypertension, neonatal, susceptibility to (PHN). Identifiers: MedGen C3714958, MONDO:0014151, OMIM 615371.
Congenital hyperammonemia, type I. Also called: Carbamoyl phosphate synthetase 1 deficiency; Hyperammonemia due to carbamoyl phosphate synthetase 1 deficiency; CPS 1 deficiency; Carbamyl phosphate synthetase (CPS) deficiency; CPS I DEFICIENCY; Carbamoyl-phosphate synthase I deficiency. Identifiers: Orphanet 147, MedGen C4082171, MONDO:0009376, OMIM 237300.

Allele frequency attached by ClinVar (database versions not stated): gnomAD exomes 0.00001; TOPMed below 0.00001; ExAC 0.00001.
gnomAD v4.1: 13 of 1,611,774 alleles (0.00081%); highest among the groups gnomAD compares: East Asian, 0.0022%; no homozygotes.

Submissions (3):

GeneDx
Classification: Pathogenic. Last evaluated: 2026-03-28. Review status: criteria provided, single submitter. Criteria: GeneDx Variant Classification Process June 2021. Collection method: clinical testing. Allele origin: germline.
Comment: Published functional studies suggest this variant is associated with significantly reduced enzyme activity (PMID: 24813853); In silico analysis supports that this missense variant has a deleterious effect on protein structure/function; Not observed at significant frequency in large population cohorts (gnomAD); This variant is associated with the following publications: (PMID: 33309754, 34670888, 15617192, 22575620, 27150549, 24813853, 40125546, 21108709, 26440671, 21120950, 17310273)

Baylor Genetics
Classification: Pathogenic for Pulmonary hypertension, neonatal, susceptibility to. Last evaluated: 2024-01-30. Review status: criteria provided, single submitter. Criteria: ACMG Guidelines, 2015. Collection method: clinical testing. Allele origin: unknown.

Labcorp Genetics (formerly Invitae), Labcorp
Classification: Pathogenic for Congenital hyperammonemia, type I. Last evaluated: 2022-11-25. Review status: criteria provided, single submitter. Criteria: Invitae Variant Classification Sherloc (09022015). Collection method: clinical testing. Allele origin: germline.
Comment: ClinVar contains an entry for this variant (Variation ID: 659565). This sequence change replaces arginine, which is basic and polar, with histidine, which is basic and polar, at codon 850 of the CPS1 protein (p.Arg850His). This variant is present in population databases (rs767694281, gnomAD 0.003%). This missense change has been observed in individual(s) with carbamoylphosphate synthetase 1 deficiency (PMID: 15617192, 22575620, 27150549). In at least one individual the data is consistent with being in trans (on the opposite chromosome) from a pathogenic variant. Advanced modeling of protein sequence and biophysical properties (such as structural, functional, and spatial information, amino acid conservation, physicochemical variation, residue mobility, and thermodynamic stability) performed at Invitae indicates that this missense variant is expected to disrupt CPS1 protein function. Experimental studies have shown that this missense change affects CPS1 function (PMID: 24813853). This variant disrupts the p.Arg850 amino acid residue in CPS1. Other variant(s) that disrupt this residue have been observed in individuals with CPS1-related conditions (PMID: 17310273), which suggests that this may be a clinically significant amino acid residue. For these reasons, this variant has been classified as Pathogenic.

Literature cited by the submitters: PubMed 15617192 (cited by Labcorp Genetics (formerly Invitae), Labcorp); PubMed 22575620 (cited by Labcorp Genetics (formerly Invitae), Labcorp); PubMed 27150549 (cited by Labcorp Genetics (formerly Invitae), Labcorp); PubMed 24813853 (cited by Labcorp Genetics (formerly Invitae), Labcorp); PubMed 17310273 (cited by Labcorp Genetics (formerly Invitae), Labcorp).